The following is an entry in ClinVar:

ClinVar aggregate classification (germline): Uncertain significance (1 of 4 stars; one submission).

Conditions:
Emery-Dreifuss muscular dystrophy 5, autosomal dominant (EDMD5). Also called: EMERY-DREIFUSS MUSCULAR DYSTROPHY 5. Identifiers: Orphanet 261, MedGen C2751805, MONDO:0013072, OMIM 612999.

Allele frequency attached by ClinVar (database versions not stated): TOPMed 0.00002; gnomAD 0.00004.
gnomAD v4.1: 21 of 1,613,210 alleles (0.0013%); highest among the groups gnomAD compares: Admixed American, 0.0083%; 1 homozygote.

Submission:

Labcorp Genetics (formerly Invitae), Labcorp
Classification: Uncertain significance for Emery-Dreifuss muscular dystrophy 5, autosomal dominant. Last evaluated: 2022-09-01. Review status: criteria provided, single submitter. Criteria: Invitae Variant Classification Sherloc (09022015). Collection method: clinical testing. Allele origin: germline.
Comment: In summary, the available evidence is currently insufficient to determine the role of this variant in disease. Therefore, it has been classified as a Variant of Uncertain Significance. Variants that disrupt the consensus splice site are a relatively common cause of aberrant splicing (PMID: 17576681, 9536098). Algorithms developed to predict the effect of sequence changes on RNA splicing suggest that this variant is not likely to affect RNA splicing. ClinVar contains an entry for this variant (Variation ID: 538327). This variant has not been reported in the literature in individuals affected with SYNE2-related conditions. This variant is present in population databases (no rsID available, gnomAD 0.006%). This sequence change falls in intron 111 of the SYNE2 gene. It does not directly change the encoded amino acid sequence of the SYNE2 protein. It affects a nucleotide within the consensus splice site.

Literature cited by the submitters: PubMed 17576681; PubMed 9536098.

NM_182914.3(SYNE2):c.20061+5G>A

Gene: SYNE2 (spectrin repeat containing nuclear envelope protein 2; plus strand). Cytogenetic location: 14q23.2.
Variant type: single nucleotide variant.
Coding change: c.20061+5G>A on transcript NM_182914.3 (MANE Select); 5 bases into the intron after coding-DNA position 20061, G replaced by A.
Molecular consequence: intron variant.
Genome position (GRCh38, 1-based): chr14:64,220,642, G>A. VCF-style: chr14-64220642-G-A. GRCh37 (hg19) VCF-style: chr14-64687360-G-A.
Other names: c.19992+5G>A (NM_015180.6); c.963+5G>A (NM_182913.4); c.585+5G>A (NM_182910.2).
Identifiers: ClinVar variation 538327 (VCV000538327.6), dbSNP rs774599138, ClinGen allele CA614735752.
Genomic context (GRCh38, chr14:64,220,642, plus strand): 5'-AGGGCGCAGTGGACAGCTGGAGAGGGGGCTTACGACAGTCGCTCATGCAGTGCCAGGTAC[G>A]CTGACTCAGCAGCCCGCCTCCCAGAGCCGGTACCCAGGCCCACGTGGTAGGAGCAGCAGA-3'